The following is an entry in ClinVar:

ClinVar aggregate classification (germline): Uncertain significance (1 of 4 stars; one submission).

Conditions:
Developmental and epileptic encephalopathy, 30 (DEE30). Also called: Epileptic encephalopathy, early infantile, 30. Identifiers: MedGen C4225360, MONDO:0014595, OMIM 616341.

Allele frequency attached by ClinVar (database versions not stated): ExAC 0.00001; gnomAD exomes 0.00001; ESP Exome Variant Server 0.00016.

Submission:

Labcorp Genetics (formerly Invitae), Labcorp
Classification: Uncertain significance for Developmental and epileptic encephalopathy, 30. Last evaluated: 2024-08-11. Review status: criteria provided, single submitter. Criteria: Invitae Variant Classification Sherloc (09022015). Collection method: clinical testing. Allele origin: germline.
Comment: This sequence change creates a premature translational stop signal (p.Gln527Argfs*163) in the SIK1 gene. While this is not anticipated to result in nonsense mediated decay, it is expected to disrupt the last 257 amino acid(s) of the SIK1 protein. This variant is present in population databases (rs761030360, gnomAD 0.009%). This variant has not been reported in the literature in individuals affected with SIK1-related conditions. ClinVar contains an entry for this variant (Variation ID: 1037137). Experimental studies and prediction algorithms are not available or were not evaluated, and the functional significance of this variant is currently unknown. In summary, the available evidence is currently insufficient to determine the role of this variant in disease. Therefore, it has been classified as a Variant of Uncertain Significance.

NM_173354.5(SIK1):c.1580_1581del (p.Gln527fs)

Gene: SIK1 (salt inducible kinase 1; minus strand). Cytogenetic location: 21q22.3.
Variant type: Deletion.
Coding change: c.1580_1581del on transcript NM_173354.5 (MANE Select); coding-DNA positions 1580 to 1581, 2 bases deleted (AG; older notation c.1580_1581delAG).
Protein change: p.Gln527fs; shifts the reading frame from glutamine 527.
Molecular consequence: frameshift variant.
Genome position (GRCh38, 1-based): chr21:43,418,423-43,418,424, CT deleted on the plus strand (AG on the coding strand, the reverse complement: SIK1 is on the minus strand). VCF-style (leftmost placement, unchanged base first): chr21-43418422-CCT-C. GRCh37 (hg19) VCF-style: chr21-44838302-CCT-C.
Other names: short protein forms Q527fs.
Identifiers: ClinVar variation 1037137 (VCV001037137.7), dbSNP rs761030360, ClinGen allele CA321325428.
Genomic context (GRCh38, chr21:43,418,422, plus strand): 5'-CGGACTGCGACCCCAGGAAGGGCGAGGCCAGCCTGACCGGGGAGCAGGCGCCCAGCAGCC[CCT>C]GAGTGGCCGGGGTGCCACTGAGCCCCGCGGGGCTTTTGCTCGCAGAGAAGGTCAGACAAC-3'